The following is an entry in ClinVar:

NM_001199138.2(NLRC4):c.545T>C (p.Ile182Thr)

Gene: NLRC4 (NLR family CARD domain containing 4; minus strand). Cytogenetic location: 2p22.3.
Variant type: single nucleotide variant.
Coding change: c.545T>C on transcript NM_001199138.2 (MANE Select); coding-DNA position 545, T replaced by C.
Protein change: p.Ile182Thr; replaces isoleucine 182 with threonine.
Molecular consequence: missense variant. On other transcripts: intron variant (1).
Genome position (GRCh38, 1-based): chr2:32,251,319, A>G on the plus strand (T>C on the coding strand, the complement: NLRC4 is on the minus strand). VCF-style: chr2-32251319-A-G. GRCh37 (hg19) VCF-style: chr2-32476388-A-G.
Other names: c.545T>C, p.Ile182Thr (NM_001199139.2, NM_021209.5); c.262+1100T>C (NM_001302504.1); short protein forms I182T.
Identifiers: ClinVar variation 845821 (VCV000845821.8), dbSNP rs575897563, ClinGen allele CA1602122.

ClinVar aggregate classification (germline): Uncertain significance (1 of 4 stars; one submission).

Conditions:
Familial cold autoinflammatory syndrome 4 (FCAS4). Identifiers: Orphanet 47045, Orphanet 576349, MedGen C4015276, MONDO:0014498, OMIM 616115.
Periodic fever-infantile enterocolitis-autoinflammatory syndrome. Also called: Autoinflammation with infantile enterocolitis. Identifiers: Orphanet 436166, MedGen C4015067, MONDO:0014472, OMIM 616050.

Allele frequency attached by ClinVar (database versions not stated): ExAC 0.00001; 1000 Genomes Project 30x 0.00016; gnomAD 0.00001; gnomAD exomes 0.00001; 1000 Genomes Project 0.00020.
gnomAD v4.1: 10 of 1,614,124 alleles (0.00062%); highest among the groups gnomAD compares: African/African-American, 0.0013%; no homozygotes.

Submission:

Labcorp Genetics (formerly Invitae), Labcorp
Classification: Uncertain significance for Periodic fever-infantile enterocolitis-autoinflammatory syndrome; Familial cold autoinflammatory syndrome 4. Last evaluated: 2022-01-14. Review status: criteria provided, single submitter. Criteria: Invitae Variant Classification Sherloc (09022015). Collection method: clinical testing. Allele origin: germline.
Comment: In summary, the available evidence is currently insufficient to determine the role of this variant in disease. Therefore, it has been classified as a Variant of Uncertain Significance. Algorithms developed to predict the effect of missense changes on protein structure and function (SIFT, PolyPhen-2, Align-GVGD) all suggest that this variant is likely to be disruptive. ClinVar contains an entry for this variant (Variation ID: 845821). This variant has not been reported in the literature in individuals affected with NLRC4-related conditions. This variant is present in population databases (rs575897563, gnomAD 0.007%). This sequence change replaces isoleucine, which is neutral and non-polar, with threonine, which is neutral and polar, at codon 182 of the NLRC4 protein (p.Ile182Thr).